The following is an entry in ClinVar:

ClinVar aggregate classification (germline): Pathogenic (1 of 4 stars; one submission).

Conditions:
Bethlem myopathy 1A. Also called: Bethlem Muscular Dystrophy; MYOPATHY, BENIGN CONGENITAL, WITH CONTRACTURES; Bethlem myopathy 1. Identifiers: Orphanet 610, MedGen CN029274, MONDO:0024530, OMIM 158810.

Submission:

Labcorp Genetics (formerly Invitae), Labcorp
Classification: Pathogenic for Bethlem myopathy 1A. Last evaluated: 2025-01-15. Review status: criteria provided, single submitter. Criteria: Invitae Variant Classification Sherloc (09022015). Collection method: clinical testing. Allele origin: germline.
Comment: This variant, c.2832_2927del, results in the deletion of 32 amino acid(s) of the COL6A2 protein (p.Phe944_Ala975del), but otherwise preserves the integrity of the reading frame. This variant is not present in population databases (gnomAD no frequency). This variant has been observed in individual(s) with clinical features of autosomal recessive COL6A2-related myopathy (internal data). ClinVar contains an entry for this variant (Variation ID: 1061166). Experimental studies and prediction algorithms are not available or were not evaluated, and the functional significance of this variant is currently unknown. This variant disrupts a region of the COL6A2 protein in which other variant(s) (p.Thr948Arg) have been determined to be pathogenic (PMID: 35387801; internal data). This suggests that this is a clinically significant region of the protein, and that variants that disrupt it are likely to be disease-causing. For these reasons, this variant has been classified as Pathogenic.

Literature cited by the submitters: PubMed 35387801.

NM_001849.4(COL6A2):c.2832_2927del (p.Phe944_Ala975del)

Gene: COL6A2 (collagen type VI alpha 2 chain; plus strand). Cytogenetic location: 21q22.3.
Variant type: Deletion.
Coding change: c.2832_2927del on transcript NM_001849.4 (MANE Select); coding-DNA positions 2832 to 2927, 96 bases deleted.
Protein change: p.Phe944_Ala975del.
Molecular consequence: inframe deletion.
Genome position (GRCh38, 1-based): chr21:46,132,324-46,132,419, 96 bases deleted. GRCh37 (hg19): chr21:47,552,238-47,552,333.
Identifiers: ClinVar variation 1061166 (VCV001061166.9), dbSNP rs2123455541, ClinGen allele CA2499226001.